The following is an entry in ClinVar:

NM_015295.3(SMCHD1):c.4966+1G>C

Gene: SMCHD1 (structural maintenance of chromosomes flexible hinge domain containing 1; plus strand). Cytogenetic location: 18p11.32.
Variant type: single nucleotide variant.
Coding change: c.4966+1G>C on transcript NM_015295.3 (MANE Select); the canonical splice donor site of the intron after coding-DNA position 4966, G replaced by C.
Molecular consequence: splice donor variant.
Genome position (GRCh38, 1-based): chr18:2,770,109, G>C. VCF-style: chr18-2770109-G-C. GRCh37 (hg19) VCF-style: chr18-2770107-G-C.
Identifiers: ClinVar variation 3658152 (VCV003658152.2).

ClinVar aggregate classification (germline): Likely pathogenic (1 of 4 stars; one submission).

Conditions:
Facioscapulohumeral muscular dystrophy 2 (FSHD2). Also called: MUSCULAR DYSTROPHY, FACIOSCAPULOHUMERAL, TYPE 1B; FACIOSCAPULOHUMERAL MUSCULAR DYSTROPHY 2, DIGENIC; FSHD2, DIGENIC. Identifiers: Orphanet 269, MedGen C1834671, MONDO:0008031, OMIM 158901.

Submission:

Labcorp Genetics (formerly Invitae), Labcorp
Classification: Likely pathogenic for Facioscapulohumeral muscular dystrophy 2. Last evaluated: 2024-06-28. Review status: criteria provided, single submitter. Criteria: Invitae Variant Classification Sherloc (09022015). Collection method: clinical testing. Allele origin: germline.
Comment: This sequence change affects a donor splice site in intron 39 of the SMCHD1 gene. It is expected to disrupt RNA splicing. Variants that disrupt the donor or acceptor splice site typically lead to a loss of protein function (PMID: 16199547), and loss-of-function variants in SMCHD1 are known to be pathogenic (PMID: 23143600). This variant is not present in population databases (gnomAD no frequency). This variant has not been reported in the literature in individuals affected with SMCHD1-related conditions. Algorithms developed to predict the effect of sequence changes on RNA splicing suggest that this variant may disrupt the consensus splice site. In summary, the currently available evidence indicates that the variant is pathogenic, but additional data are needed to prove that conclusively. Therefore, this variant has been classified as Likely Pathogenic.

Literature cited by the submitters: PubMed 16199547; PubMed 23143600.